The following is an entry in ClinVar:

ClinVar aggregate classification (germline): Likely benign (1 of 4 stars; one submission).

Submission:

CeGaT Center for Human Genetics Tuebingen
Classification: Likely benign. Last evaluated: 2026-08-01. Review status: criteria provided, single submitter. Criteria: CeGaT Center For Human Genetics Tuebingen Variant Classification Criteria Version 2. Collection method: clinical testing. Allele origin: germline. Affected: yes. Observed: 1 variant allele.
Comment: PHKA1: BP4, BP7

NM_002637.4(PHKA1):c.2058A>G (p.Leu686=)

Gene: PHKA1 (phosphorylase kinase regulatory subunit alpha 1; minus strand). Cytogenetic location: Xq13.1.
Variant type: single nucleotide variant.
Coding change: c.2058A>G on transcript NM_002637.4 (MANE Select); coding-DNA position 2058, A replaced by G.
Protein change: p.Leu686=; no amino-acid change (leucine 686 retained).
Molecular consequence: synonymous variant. On other transcripts: intron variant (2).
Genome position (GRCh38, 1-based): chrX:72,620,804, T>C on the plus strand (A>G on the coding strand, the complement: PHKA1 is on the minus strand). VCF-style: chrX-72620804-T-C. GRCh37 (hg19) VCF-style: chrX-71840654-T-C.
Other names: c.2058A>G, p.Leu686= (NM_001122670.2, NM_001431068.1, NM_001440787.1); c.1961-1499A>G (NM_001440788.1, NM_001172436.2).
Identifiers: ClinVar variation 5039815 (VCV005039815.1).